The following is an entry in ClinVar:

NM_012208.4(HARS2):c.979C>T (p.Arg327Trp)

Gene: HARS2 (histidyl-tRNA synthetase 2, mitochondrial; plus strand). Cytogenetic location: 5q31.3.
Variant type: single nucleotide variant.
Coding change: c.979C>T on transcript NM_012208.4 (MANE Select); coding-DNA position 979, C replaced by T.
Protein change: p.Arg327Trp; replaces arginine 327 with tryptophan.
Molecular consequence: missense variant.
Genome position (GRCh38, 1-based): chr5:140,697,188, C>T. VCF-style: chr5-140697188-C-T. GRCh37 (hg19) VCF-style: chr5-140076773-C-T.
Other names: c.904C>T, p.Arg302Trp (NM_001278731.2); c.547C>T, p.Arg183Trp (NM_001278732.2); c.997C>T, p.Arg333Trp (NM_001363535.2); c.769C>T, p.Arg257Trp (NM_001363536.2); c.979C>T (NM_012208.3); short protein forms R302W, R327W, R183W, R257W, R333W.
Identifiers: ClinVar variation 1418145 (VCV001418145.8), dbSNP rs1488999338, ClinGen allele CA361200911.

ClinVar aggregate classification (germline): Uncertain significance. Review status: criteria provided, multiple submitters, no conflicts (2 of 4 stars). 3 submissions from 3 submitters: Uncertain significance (3). Last evaluated 2026-05-27.

Conditions:
HARS2-related disorder. Also called: HARS2-related condition.

Allele frequency attached by ClinVar (database versions not stated): gnomAD exomes 0.00002 and 0.00003.

Submissions (3):

PreventionGenetics, part of Exact Sciences
Classification: Uncertain significance for HARS2-related condition. Last evaluated: 2026-05-27. Review status: criteria provided, single submitter. Criteria: ACMG Guidelines, 2015. Collection method: clinical testing. Allele origin: germline.
Comment: The HARS2 c.979C>T variant is predicted to result in the amino acid substitution p.Arg327Trp. This variant was reported without a second potentially causative variant in an individual with primary ovarian insufficiency (Table S7, Heddar et al. 2022. PubMed ID: 36099812). This variant is reported in 0.011% of alleles in individuals of East Asian descent in gnomAD. At this time, the clinical significance of this variant is uncertain due to the absence of conclusive functional and genetic evidence.

Blueprint Genetics
Classification: Uncertain significance. Last evaluated: 2024-10-14. Review status: criteria provided, single submitter. Criteria: ACMG Guidelines, 2015. Collection method: clinical testing. Allele origin: germline.

Labcorp Genetics (formerly Invitae), Labcorp
Classification: Uncertain significance. Last evaluated: 2022-07-12. Review status: criteria provided, single submitter. Criteria: Invitae Variant Classification Sherloc (09022015). Collection method: clinical testing. Allele origin: germline.
Comment: In summary, the available evidence is currently insufficient to determine the role of this variant in disease. Therefore, it has been classified as a Variant of Uncertain Significance. Algorithms developed to predict the effect of missense changes on protein structure and function (SIFT, PolyPhen-2, Align-GVGD) all suggest that this variant is likely to be disruptive. ClinVar contains an entry for this variant (Variation ID: 1418145). This variant has not been reported in the literature in individuals affected with HARS2-related conditions. This variant is present in population databases (no rsID available, gnomAD 0.01%). This sequence change replaces arginine, which is basic and polar, with tryptophan, which is neutral and slightly polar, at codon 327 of the HARS2 protein (p.Arg327Trp).